The following is an entry in ClinVar:

ClinVar aggregate classification (germline): Uncertain significance. Review status: criteria provided, multiple submitters, no conflicts (2 of 4 stars). 4 submissions from 4 submitters: Uncertain significance (3). 1 of the submissions does not count toward it. Last evaluated 2026-04-14.

Conditions:
ABCB4-related disorder. Also called: ABCB4-related disorders; ABCB4-related condition.
Familial intrahepatic cholestasis. Identifiers: Orphanet 284385, MedGen CN296401, MONDO:0017290.

Allele frequency attached by ClinVar (database versions not stated): TOPMed 0.00008; gnomAD exomes 0.00009 and 0.00019; gnomAD 0.00011; ESP Exome Variant Server 0.00015; ExAC 0.00007.
gnomAD v4.1: 292 of 1,613,904 alleles (0.018%); highest among the groups gnomAD compares: Non-Finnish European, 0.023%; no homozygotes.

Submissions (4):

Genomenon, Inc
Classification: Uncertain significance for Familial intrahepatic cholestasis. Last evaluated: 2026-04-14. Review status: criteria provided, single submitter. Criteria: Genomenon Sequence Variant Interpretation Standards - Updated. Collection method: curation. Allele origin: germline. Affected: yes.
Comment: ABCB4 p.Thr438Met (c.1313C>T) is a missense variant that changes the amino acid at residue 438 from Threonine to Methionine. This variant has been observed in at least one proband with an ABCB4-related disorder (PMID:32893960). It is absent or not present at a significant frequency in gnomAD. In conclusion, we classify ABCB4 p.Thr438Met (c.1313C>T) as a variant of uncertain significance.

Women's Health and Genetics/Laboratory Corporation of America, LabCorp
Classification: Uncertain significance. Last evaluated: 2022-05-03. Review status: criteria provided, single submitter. Criteria: LabCorp Variant Classification Summary - May 2015. Collection method: clinical testing. Allele origin: germline.
Comment: Variant summary: ABCB4 c.1313C>T (p.Thr438Met) results in a non-conservative amino acid change located in the ABC transporter-like, ATP-binding domain (IPR003439) of the encoded protein sequence. Three of five in-silico tools predict a benign effect of the variant on protein function. The variant allele was found at a frequency of 9.2e-05 in 251322 control chromosomes. This frequency is not significantly higher than estimated for a pathogenic variant in ABCB4 causing Familial Intrahepatic Cholestasis (9.2e-05 vs 0.0022), allowing no conclusion about variant significance. c.1313C>T has been reported in the literature as a VUS (class 3 variant) in a cohort of individuals with ABCB4 deficiency (example, de Vries_2020). These report(s) do not provide unequivocal conclusions about association of the variant with Familial Intrahepatic Cholestasis. To our knowledge, no experimental evidence demonstrating an impact on protein function has been reported. One clinical diagnostic laboratory has submitted clinical-significance assessments for this variant to ClinVar after 2014 without evidence for independent evaluation and classified the variant as uncertain significance. Based on the evidence outlined above, the variant was classified as uncertain significance.

Eurofins Ntd Llc (ga)
Classification: Uncertain significance. Last evaluated: 2017-03-29. Review status: criteria provided, single submitter. Criteria: EGL Classification Definitions 2015. Collection method: clinical testing. Allele origin: germline. Observed: 2 variant alleles, 2 heterozygotes.

PreventionGenetics, part of Exact Sciences
Classification: Uncertain significance for ABCB4-related condition. Last evaluated: 2024-08-26. Review status: no assertion criteria provided. Collection method: clinical testing. Allele origin: germline. Not counted in ClinVar's aggregate classification.
Comment: The ABCB4 c.1313C>T variant is predicted to result in the amino acid substitution p.Thr438Met. This variant was previously reported in a large cohort of individuals with oral contraceptive-induced cholestasis (Supplemental Data, de Vries et al. 2020. PubMed ID: 32893960). This variant is reported in 0.020% of alleles in individuals of African descent in gnomAD. At this time, the clinical significance of this variant is uncertain due to the absence of conclusive functional and genetic evidence.

Literature cited by the submitters: PubMed 32893960 (cited by Genomenon, Inc and Women's Health and Genetics/Laboratory Corporation of America, LabCorp).

NM_000443.4(ABCB4):c.1313C>T (p.Thr438Met)

Gene: ABCB4 (ATP binding cassette subfamily B member 4; minus strand). Cytogenetic location: 7q21.12.
Variant type: single nucleotide variant.
Coding change: c.1313C>T on transcript NM_000443.4 (MANE Select); coding-DNA position 1313, C replaced by T.
Protein change: p.Thr438Met; replaces threonine 438 with methionine.
Molecular consequence: missense variant.
Genome position (GRCh38, 1-based): chr7:87,443,362, G>A on the plus strand (C>T on the coding strand, the complement: ABCB4 is on the minus strand). VCF-style: chr7-87443362-G-A. GRCh37 (hg19) VCF-style: chr7-87072678-G-A.
Other names: c.1313C>T, p.Thr438Met (NM_018849.3, NM_018850.3); short protein forms T438M.
Identifiers: ClinVar variation 501153 (VCV000501153.8), dbSNP rs142271471, ClinGen allele CA4327318.